The following is an entry in ClinVar:

ClinVar aggregate classification (germline): Uncertain significance. Review status: criteria provided, multiple submitters, no conflicts (2 of 4 stars). 4 submissions from 4 submitters: Uncertain significance (4). Last evaluated 2026-01-12.

Conditions:
Hereditary cancer-predisposing syndrome. Also called: Hereditary Cancer Syndrome; Neoplastic Syndromes, Hereditary; Hereditary neoplastic syndrome; Tumor predisposition. Identifiers: Orphanet 140162, MedGen C0027672, MeSH D009386, MONDO:0015356.
POLD1-related polyposis and colorectal cancer syndrome (CRCS10). Also called: COLORECTAL CANCER, SUSCEPTIBILITY TO, ON CHROMOSOME 19q; Colorectal cancer 10; Colorectal cancer, susceptibility to, 10. Identifiers: Orphanet 220460, MedGen C2675481, MONDO:0012953, OMIM 612591.
Immunodeficiency 120. Identifiers: MedGen C5935622, MONDO:0970994, OMIM 620836.
Mandibular hypoplasia-deafness-progeroid syndrome. Also called: Mandibular hypoplasia, deafness, progeroid features, and lipodystrophy syndrome. Identifiers: Orphanet 363649, MedGen C3715192, MONDO:0014157, OMIM 615381.

Allele frequency attached by ClinVar (database versions not stated): gnomAD exomes 0.00001; ExAC 0.00002; gnomAD 0.00002; TOPMed 0.00003; ESP Exome Variant Server 0.00015.
gnomAD v4.1: 6 of 1,611,474 alleles (0.00037%); highest among the groups gnomAD compares: African/African-American, 0.008%; no homozygotes.

Submissions (4):

Labcorp Genetics (formerly Invitae), Labcorp
Classification: Uncertain significance for POLD1-related polyposis and colorectal cancer syndrome. Last evaluated: 2026-01-12. Review status: criteria provided, single submitter. Criteria: Invitae Variant Classification Sherloc (09022015). Collection method: clinical testing. Allele origin: germline.
Comment: This sequence change replaces glutamic acid, which is acidic and polar, with glutamine, which is neutral and polar, at codon 902 of the POLD1 protein (p.Glu902Gln). This variant is present in population databases (rs373951714, gnomAD 0.02%). This variant has not been reported in the literature in individuals affected with POLD1-related conditions. ClinVar contains an entry for this variant (Variation ID: 246161). Invitae Evidence Modeling of protein sequence and biophysical properties (such as structural, functional, and spatial information, amino acid conservation, physicochemical variation, residue mobility, and thermodynamic stability) indicates that this missense variant is not expected to disrupt POLD1 protein function with a negative predictive value of 80%. In summary, the available evidence is currently insufficient to determine the role of this variant in disease. Therefore, it has been classified as a Variant of Uncertain Significance.

GeneDx
Classification: Uncertain significance. Last evaluated: 2025-06-03. Review status: criteria provided, single submitter. Criteria: GeneDx Variant Classification Process June 2021. Collection method: clinical testing. Allele origin: germline. Affected: yes.
Comment: Not observed at significant frequency in large population cohorts (gnomAD); In silico analysis supports that this missense variant has a deleterious effect on protein structure/function; Has not been previously published as pathogenic or benign to our knowledge; This variant is associated with the following publications: (PMID: 35620275)

Ambry Genetics
Classification: Uncertain significance for Hereditary cancer-predisposing syndrome. Last evaluated: 2025-01-03. Review status: criteria provided, single submitter. Criteria: Ambry Variant Classification Scheme 2023. Collection method: clinical testing. Allele origin: germline.
Comment: The p.E902Q variant (also known as c.2704G>C), located in coding exon 20 of the POLD1 gene, results from a G to C substitution at nucleotide position 2704. The glutamic acid at codon 902 is replaced by glutamine, an amino acid with highly similar properties. This amino acid position is well conserved in available vertebrate species. In addition, this alteration is predicted to be tolerated by in silico analysis. Based on the available evidence, the clinical significance of this variant remains unclear.

Fulgent Genetics
Classification: Uncertain significance for POLD1-related polyposis and colorectal cancer syndrome; Mandibular hypoplasia-deafness-progeroid syndrome; Immunodeficiency 120. Last evaluated: 2024-02-22. Review status: criteria provided, single submitter. Criteria: ACMG Guidelines, 2015. Collection method: clinical testing. Allele origin: germline.

NM_002691.4(POLD1):c.2704G>C (p.Glu902Gln)

Gene: POLD1 (DNA polymerase delta 1, catalytic subunit; plus strand). Cytogenetic location: 19q13.33.
Variant type: single nucleotide variant.
Coding change: c.2704G>C on transcript NM_002691.4 (MANE Select); coding-DNA position 2704, G replaced by C.
Protein change: p.Glu902Gln; replaces glutamic acid 902 with glutamine.
Molecular consequence: missense variant. On other transcripts: non-coding transcript variant (1).
Genome position (GRCh38, 1-based): chr19:50,415,577, G>C. VCF-style: chr19-50415577-G-C. GRCh37 (hg19) VCF-style: chr19-50918834-G-C.
Other names: c.2704G>C, p.Glu902Gln (NM_001256849.1); c.2782G>C, p.Glu928Gln (NM_001308632.1); c.2704G>C (NM_002691.2); short protein forms E902Q, E928Q.
Identifiers: ClinVar variation 246161 (VCV000246161.12), dbSNP rs373951714, ClinGen allele CA9596614.